The following is an entry in ClinVar:

NM_025124.4(TMEM134):c.250C>T (p.Arg84Ter)

Gene: TMEM134 (transmembrane protein 134; minus strand). Cytogenetic location: 11q13.2.
Variant type: single nucleotide variant.
Coding change: c.250C>T on transcript NM_025124.4 (MANE Select); coding-DNA position 250, C replaced by T.
Protein change: p.Arg84Ter; replaces arginine 84 with a stop codon.
Molecular consequence: nonsense. On other transcripts: non-coding transcript variant (3), intron variant (1).
Genome position (GRCh38, 1-based): chr11:67,467,580, G>A on the plus strand (C>T on the coding strand, the complement: TMEM134 is on the minus strand). VCF-style: chr11-67467580-G-A. GRCh37 (hg19) VCF-style: chr11-67235051-G-A.
Other names: c.250C>T, p.Arg84Ter (NM_001078650.3); c.240-17C>T (NM_001078651.3); short protein forms R84*.
Identifiers: ClinVar variation 2642020 (VCV002642020.24), dbSNP rs143199541, ClinGen allele CA6140592.
Genomic context (GRCh38, chr11:67,467,580, plus strand): 5'-AGCGCTGGGTGCTGCTGCTGATGGTGCTGAAGGACCACTGGGAGCTGCGGATGGAAGTTC[G>A]GCTGGAATCCCTGCCAGGACAGGCGCCCAGTGAGGGGCAGGGAGGCAAGGACGGGGTTGC-3'

ClinVar aggregate classification (germline): Likely benign (1 of 4 stars; one submission).

Allele frequency attached by ClinVar (database versions not stated): 1000 Genomes Project 0.00280; 1000 Genomes Project 30x 0.00281; ESP Exome Variant Server 0.00439; ExAC 0.00464.
gnomAD v4.1: 8,679 of 1,613,978 alleles (0.54%); highest among the groups gnomAD compares: Non-Finnish European, 0.64%; 34 homozygotes.

Submission:

CeGaT Center for Human Genetics Tuebingen
Classification: Likely benign. Last evaluated: 2023-08-01. Review status: criteria provided, single submitter. Criteria: CeGaT Center For Human Genetics Tuebingen Variant Classification Criteria Version 2. Collection method: clinical testing. Allele origin: germline. Affected: yes. Observed: 1 variant allele.
Comment: TMEM134: BS2